The following is an entry in ClinVar:

ClinVar aggregate classification (germline): Uncertain significance (1 of 4 stars; one submission).

Conditions:
CPOX-related disorder. Also called: CPOX-related disorders; CPOX-related condition.

Allele frequency attached by ClinVar (database versions not stated): gnomAD 0.00001; gnomAD exomes 0.00001.
gnomAD v4.1: 11 of 1,508,454 alleles (0.00073%); highest among the groups gnomAD compares: African/African-American, 0.0014%; no homozygotes.

Submission:

PreventionGenetics, part of Exact Sciences
Classification: Uncertain significance for CPOX-related condition. Last evaluated: 2023-05-31. Review status: criteria provided, single submitter. Criteria: ACMG Guidelines, 2015. Collection method: clinical testing. Allele origin: germline.
Comment: The CPOX c.242C>G variant is predicted to result in the amino acid substitution p.Ala81Gly. To our knowledge, this variant has not been reported in the literature or in a large population database, indicating this variant is rare. At this time, the clinical significance of this variant is uncertain due to the absence of conclusive functional and genetic evidence.

NM_000097.7(CPOX):c.242C>G (p.Ala81Gly)

Genes: CPOX (coproporphyrinogen oxidase; minus strand), LOC129937121 (ATAC-STARR-seq lymphoblastoid silent region 14560; plus strand). Cytogenetic location: 3q11.2.
Variant type: single nucleotide variant.
Coding change: c.242C>G on transcript NM_000097.7 (MANE Select); coding-DNA position 242, C replaced by G.
Protein change: p.Ala81Gly; replaces alanine 81 with glycine.
Molecular consequence: missense variant.
Genome position (GRCh38, 1-based): chr3:98,593,263, G>C on the plus strand (C>G on the coding strand, the complement: CPOX is on the minus strand). VCF-style: chr3-98593263-G-C. GRCh37 (hg19) VCF-style: chr3-98312107-G-C.
Other names: short protein forms A81G.
Identifiers: ClinVar variation 2631837 (VCV002631837.1), dbSNP rs1707519795, ClinGen allele CA353646865.